The following is an entry in ClinVar:

NM_001281775.3(ZMYND8):c.2129T>C (p.Leu710Pro)

Gene: ZMYND8 (zinc finger MYND-type containing 8; minus strand). Cytogenetic location: 20q13.12.
Variant type: single nucleotide variant.
Coding change: c.2129T>C on transcript NM_001281775.3 (MANE Select); coding-DNA position 2129, T replaced by C.
Protein change: p.Leu710Pro; replaces leucine 710 with proline.
Molecular consequence: missense variant.
Genome position (GRCh38, 1-based): chr20:47,246,163, A>G on the plus strand (T>C on the coding strand, the complement: ZMYND8 is on the minus strand). VCF-style: chr20-47246163-A-G. GRCh37 (hg19) VCF-style: chr20-45874907-A-G.
Other names: c.2054T>C, p.Leu685Pro (NM_001281771.3, NM_001281777.3, NM_001281778.3 and 2 more transcripts); c.2069T>C, p.Leu690Pro (NM_001281772.3, NM_001281773.3, NM_001281774.3 and 1 more transcripts); c.2129T>C, p.Leu710Pro (NM_001281776.3, NM_001281783.3, NM_012408.6 and 1 more transcripts); c.1325T>C, p.Leu442Pro (NM_001281779.3, NM_001281780.3); c.1913T>C, p.Leu638Pro (NM_001281781.3, NM_001281784.3); c.2150T>C, p.Leu717Pro (NM_001363714.1); short protein forms L442P, L638P, L685P, L690P, L710P, L717P.
Identifiers: ClinVar variation 3342757 (VCV003342757.2).
Genomic context (GRCh38, chr20:47,246,163, plus strand): 5'-TCTGAATCAGAGTCCAGGCCCAAATGGACTGTTGGGGAATCCGTCTCATCTTTTCCCTTC[A>G]GTTTATCCTTTATGGGGTGAGGTGAAGGTTTTGCCTTTTCGGAAAAGTCCTTCTCAGGCT-3'
Protein context (NP_001268704.1, residues 700-720): KPSPHPIKDK[Leu710Pro]KGKDETDSPT

ClinVar aggregate classification (germline): Uncertain significance (1 of 4 stars; one submission).

gnomAD v4.1: 1 of 1,614,020 alleles (0.000062%); highest among the groups gnomAD compares: East Asian, 0.0022%; no homozygotes.

Submission:

GeneDx
Classification: Uncertain significance. Last evaluated: 2024-10-24. Review status: criteria provided, single submitter. Criteria: GeneDx Variant Classification Process June 2021. Collection method: clinical testing. Allele origin: germline.
Comment: Not observed at significant frequency in large population cohorts (gnomAD); In silico analysis indicates that this missense variant does not alter protein structure/function; Has not been previously published as pathogenic or benign to our knowledge